The following is an entry in ClinVar:

NM_017872.5(THG1L):c.621A>G (p.Arg207=)

Gene: THG1L (tRNA-histidine guanylyltransferase 1 like; plus strand). Cytogenetic location: 5q33.3.
Variant type: single nucleotide variant.
Coding change: c.621A>G on transcript NM_017872.5 (MANE Select); coding-DNA position 621, A replaced by G.
Protein change: p.Arg207=; no amino-acid change (arginine 207 retained).
Molecular consequence: synonymous variant.
Genome position (GRCh38, 1-based): chr5:157,735,928, A>G. VCF-style: chr5-157735928-A-G. GRCh37 (hg19) VCF-style: chr5-157162936-A-G.
Other names: c.225A>G, p.Arg75= (NM_001317824.2); c.246A>G, p.Arg82= (NM_001317825.2); c.435A>G, p.Arg145= (NM_001317826.2).
Identifiers: ClinVar variation 3024981 (VCV003024981.22), dbSNP rs145864613, ClinGen allele CA3536498.
Genomic context (GRCh38, chr5:157,735,928, plus strand): 5'-TACAGTTTTCTGGGCACTTATACAACAATCTGGACTAACACCAGTACAAGCCCAAGGGAG[A>G]TTACAGGTATAAAGATCTTACTACATTAATACTTAACTGGGGACAGTTCGCTGTAGGCTC-3'
Protein context (NP_060342.2, residues 197-217): SGLTPVQAQG[Arg207=]LQGTLAADKN

ClinVar aggregate classification (germline): Likely benign (1 of 4 stars; one submission).

Allele frequency attached by ClinVar (database versions not stated): 1000 Genomes Project 30x 0.00016; 1000 Genomes Project 0.00020; gnomAD 0.00031; TOPMed 0.00044; ESP Exome Variant Server 0.00054; ExAC 0.00059.
gnomAD v4.1: 1,057 of 1,593,202 alleles (0.066%); highest among the groups gnomAD compares: Non-Finnish European, 0.084%; 4 homozygotes.

Submission:

CeGaT Center for Human Genetics Tuebingen
Classification: Likely benign. Last evaluated: 2026-03-01. Review status: criteria provided, single submitter. Criteria: CeGaT Center For Human Genetics Tuebingen Variant Classification Criteria Version 2. Collection method: clinical testing. Allele origin: germline. Affected: yes. Observed: 2 variant alleles.
Comment: THG1L: BP4, BP7